The following is an entry in ClinVar:

NM_001134407.3(GRIN2A):c.1008-22395A>T

Gene: GRIN2A (glutamate ionotropic receptor NMDA type subunit 2A; minus strand). Cytogenetic location: 16p13.2.
Variant type: single nucleotide variant.
Coding change: c.1008-22395A>T on transcript NM_001134407.3 (MANE Select); 22395 bases into the intron before coding-DNA position 1008, A replaced by T.
Molecular consequence: intron variant.
Genome position (GRCh38, 1-based): chr16:9,913,495, T>A on the plus strand (A>T on the coding strand, the complement: GRIN2A is on the minus strand). VCF-style: chr16-9913495-T-A. GRCh37 (hg19) VCF-style: chr16-10007352-T-A.
Other names: c.1008-22395A>T (NM_001134408.2, NM_000833.5).
Identifiers: ClinVar variation 1341841 (VCV001341841.1), dbSNP rs909654359, ClinGen allele CA278191252.
Genomic context (GRCh38, chr16:9,913,495, plus strand): 5'-CGCATTGTGCAACCTTGTATTTTAGGTCAAATAAGTAATTGAAACAAGTTTCTTTATGTT[T>A]CCCCTCTATATAGAAATAATTAATAATAATATTAAATTGAGGGTCCAACATCGGCTAGGC-3'

ClinVar aggregate classification (germline): Uncertain significance (1 of 4 stars; one submission).

Conditions:
Landau-Kleffner syndrome (FESD). Also called: APHASIA, ACQUIRED, WITH EPILEPSY; EPILEPSY, FOCAL, WITH SPEECH DISORDER AND WITH OR WITHOUT MENTAL RETARDATION. Identifiers: Orphanet 1945, Orphanet 725, Orphanet 98818, MedGen C0282512, MONDO:0009509, OMIM 245570.

Allele frequency attached by ClinVar (database versions not stated): TOPMed 0.00005; gnomAD 0.00006 and 0.00005.
gnomAD v4.1: 8 of 152,168 alleles (0.0053%); no homozygotes.

Submission:

New York Genome Center
Classification: Uncertain significance for Landau-Kleffner syndrome. Last evaluated: 2020-05-15. Review status: criteria provided, single submitter. Criteria: NYGC Assertion Criteria 2020. Collection method: clinical testing. Allele origin: germline. Observed: 1 heterozygote. Study: CSER-NYCKidSeq.
Comment: The heterozygous c.1008-22395A>T deep intronic variant identified in the GRIN2A gene is located within intron 4/13 (NM_000833.3). This variant has 0.00005584 allele frequency in the gnomAD(v3.0) database (8 out of 143,272 heterozygous alleles, no homozygote) suggesting it is a rare allele in the general population. Human Splicing Finder predicts this variant may potentially alter the normal mRNA splicing by activating an intronic cryptic donor site. The Transcript inferred Pathogenicity (TraP; v3.0) score for this variant is 0.234, which is >95% score-percentile for non-coding variants, predicting the variantis possibly damaging. This variant is absent from ClinVar and to our current knowledge has not been reported in the literature. Functional studies are required to evaluate the potential pathogenicity of this variant. Based on the available evidence, the c.1008-22395A>T deep intronic variant identified in the GRIN2A gene is reported as a variant of uncertain significance.